The following is an entry in ClinVar:

NM_004963.4(GUCY2C):c.2309T>C (p.Leu770Pro)

Gene: GUCY2C (guanylate cyclase 2C; minus strand). Cytogenetic location: 12p12.3.
Variant type: single nucleotide variant.
Coding change: c.2309T>C on transcript NM_004963.4 (MANE Select); coding-DNA position 2309, T replaced by C.
Protein change: p.Leu770Pro; replaces leucine 770 with proline.
Molecular consequence: missense variant.
Genome position (GRCh38, 1-based): chr12:14,625,856, A>G on the plus strand (T>C on the coding strand, the complement: GUCY2C is on the minus strand). VCF-style: chr12-14625856-A-G. GRCh37 (hg19) VCF-style: chr12-14778790-A-G.
Other names: short protein forms L770P.
Identifiers: ClinVar variation 4997702 (VCV004997702.1).

ClinVar aggregate classification (germline): Likely pathogenic (1 of 4 stars; one submission).

Conditions:
GUCY2C-related disorder. Also called: GUCY2C-related condition.

Submission:

PreventionGenetics, part of Exact Sciences
Classification: Likely pathogenic for GUCY2C-related condition. Last evaluated: 2025-05-23. Review status: criteria provided, single submitter. Criteria: ACMG Guidelines, 2015. Collection method: clinical testing. Allele origin: germline.
Comment: The GUCY2C c.2309T>C variant is predicted to result in the amino acid substitution p.Leu770Pro. To our knowledge, this variant has not been reported in the literature or in a large population database (gnomAD), indicating this variant is rare. An in vitro study indicated that this amino acid change results in an increase in basal activity (Bose et al. 2021. PubMed ID: 32293781). This variant is interpreted as likely pathogenic.